The following is an entry in ClinVar:

NM_031935.3(HMCN1):c.5236G>T (p.Val1746Leu)

Gene: HMCN1 (hemicentin 1; plus strand). Cytogenetic location: 1q31.1.
Variant type: single nucleotide variant.
Coding change: c.5236G>T on transcript NM_031935.3 (MANE Select); coding-DNA position 5236, G replaced by T.
Protein change: p.Val1746Leu; replaces valine 1746 with leucine.
Molecular consequence: missense variant.
Genome position (GRCh38, 1-based): chr1:186,017,007, G>T. VCF-style: chr1-186017007-G-T. GRCh37 (hg19) VCF-style: chr1-185986139-G-T.
Other names: short protein forms V1746L.
Identifiers: ClinVar variation 1966871 (VCV001966871.5), dbSNP rs2527533965, ClinGen allele CA343889714.

ClinVar aggregate classification (germline): Uncertain significance (1 of 4 stars; one submission).

gnomAD v4.1: 1 of 1,609,944 alleles (0.000062%); no homozygotes.

Submission:

Labcorp Genetics (formerly Invitae), Labcorp
Classification: Uncertain significance. Last evaluated: 2024-10-29. Review status: criteria provided, single submitter. Criteria: Invitae Variant Classification Sherloc (09022015). Collection method: clinical testing. Allele origin: germline.
Comment: This sequence change replaces valine, which is neutral and non-polar, with leucine, which is neutral and non-polar, at codon 1746 of the HMCN1 protein (p.Val1746Leu). This variant is not present in population databases (gnomAD no frequency). This variant has not been reported in the literature in individuals affected with HMCN1-related conditions. ClinVar contains an entry for this variant (Variation ID: 1966871). An algorithm developed to predict the effect of missense changes on protein structure and function (PolyPhen-2) suggests that this variant is likely to be disruptive. In summary, the available evidence is currently insufficient to determine the role of this variant in disease. Therefore, it has been classified as a Variant of Uncertain Significance.